The following is an entry in ClinVar:

NM_001374353.1(GLI2):c.3514C>T (p.Gln1172Ter)

Gene: GLI2 (GLI family zinc finger 2; plus strand). Cytogenetic location: 2q14.2.
Variant type: single nucleotide variant.
Coding change: c.3514C>T on transcript NM_001374353.1 (MANE Select); coding-DNA position 3514, C replaced by T.
Protein change: p.Gln1172Ter; replaces glutamine 1172 with a stop codon.
Molecular consequence: nonsense.
Genome position (GRCh38, 1-based): chr2:120,989,479, C>T. VCF-style: chr2-120989479-C-T. GRCh37 (hg19) VCF-style: chr2-121747055-C-T.
Other names: c.3565C>T, p.Gln1189Ter (NM_001371271.1, NM_005270.5); c.3139C>T, p.Gln1047Ter (NM_001374354.1); short protein forms Q1047*, Q1172*, Q1189*.
Identifiers: ClinVar variation 4293128 (VCV004293128.1).

ClinVar aggregate classification (germline): Likely pathogenic (1 of 4 stars; one submission).

Conditions:
GLI2-related disorder. Also called: GLI2-related condition; GLI2-related disorders.

Submission:

3billion
Classification: Likely pathogenic for GLI2-related disorder. Last evaluated: 2024-11-25. Review status: criteria provided, single submitter. Criteria: ACMG Guidelines, 2015. Collection method: clinical testing. Allele origin: germline. Affected: yes.
Comment: The variant is not observed in the gnomAD v4.1.0 dataset. Predicted Consequence/Location: Stop-gained (nonsense): predicted to result in a loss or disruption of normal protein function through protein truncation. The predicted truncated protein may be shortened by more than 10%. Therefore, this variant is classified as Likely pathogenic according to the recommendation of ACMG/AMP guideline.